The following is an entry in ClinVar:

ClinVar aggregate classification (germline): Uncertain significance (1 of 4 stars; one submission).

Submission:

Labcorp Genetics (formerly Invitae), Labcorp
Classification: Uncertain significance. Last evaluated: 2022-12-11. Review status: criteria provided, single submitter. Criteria: Invitae Variant Classification Sherloc (09022015). Collection method: clinical testing. Allele origin: germline.
Comment: This sequence change replaces lysine, which is basic and polar, with asparagine, which is neutral and polar, at codon 176 of the POLE protein (p.Lys176Asn). In summary, the available evidence is currently insufficient to determine the role of this variant in disease. Therefore, it has been classified as a Variant of Uncertain Significance. Advanced modeling of protein sequence and biophysical properties (such as structural, functional, and spatial information, amino acid conservation, physicochemical variation, residue mobility, and thermodynamic stability) performed at Invitae indicates that this missense variant is expected to disrupt POLE protein function. This variant has not been reported in the literature in individuals affected with POLE-related conditions. This variant is not present in population databases (gnomAD no frequency).

NM_006231.4(POLE):c.528G>T (p.Lys176Asn)

Gene: POLE (DNA polymerase epsilon, catalytic subunit; minus strand). Cytogenetic location: 12q24.33.
Variant type: single nucleotide variant.
Coding change: c.528G>T on transcript NM_006231.4 (MANE Select); coding-DNA position 528, G replaced by T.
Protein change: p.Lys176Asn; replaces lysine 176 with asparagine.
Molecular consequence: missense variant.
Genome position (GRCh38, 1-based): chr12:132,679,547, C>A on the plus strand (G>T on the coding strand, the complement: POLE is on the minus strand). VCF-style: chr12-132679547-C-A. GRCh37 (hg19) VCF-style: chr12-133256133-C-A.
Other names: short protein forms K176N.
Identifiers: ClinVar variation 2820103 (VCV002820103.3), dbSNP rs780256616, ClinGen allele CA387366976.